The following is an entry in ClinVar:

NM_002742.3(PRKD1):c.271G>A (p.Glu91Lys)

Gene: PRKD1 (protein kinase D1; minus strand). Cytogenetic location: 14q12.
Variant type: single nucleotide variant.
Coding change: c.271G>A on transcript NM_002742.3 (MANE Select); coding-DNA position 271, G replaced by A.
Protein change: p.Glu91Lys; replaces glutamic acid 91 with lysine.
Molecular consequence: missense variant. On other transcripts: 5 prime UTR variant (1).
Genome position (GRCh38, 1-based): chr14:29,725,668, C>T on the plus strand (G>A on the coding strand, the complement: PRKD1 is on the minus strand). VCF-style: chr14-29725668-C-T. GRCh37 (hg19) VCF-style: chr14-30194874-C-T.
Other names: c.271G>A, p.Glu91Lys (NM_001330069.2); c.-18G>A (NM_001348390.1); short protein forms E91K.
Identifiers: ClinVar variation 1305040 (VCV001305040.3), dbSNP rs2139394887, ClinGen allele CA389478012.

ClinVar aggregate classification (germline): Uncertain significance (1 of 4 stars; one submission).

Submission:

GeneDx
Classification: Uncertain significance. Last evaluated: 2025-08-01. Review status: criteria provided, single submitter. Criteria: GeneDx Variant Classification Process June 2021. Collection method: clinical testing. Allele origin: germline. Affected: yes.
Comment: Not observed at significant frequency in large population cohorts (gnomAD); In silico analysis supports that this missense variant has a deleterious effect on protein structure/function; Has not been previously published as pathogenic or benign to our knowledge.